The following is an entry in ClinVar:

ClinVar aggregate classification (germline): Benign. Review status: criteria provided, multiple submitters, no conflicts (2 of 4 stars). 3 submissions from 3 submitters: Benign (3). Last evaluated 2025-09-29.

Conditions:
Pseudohypoaldosteronism type 2B (PHA2B). Also called: Pseudohypoaldosteronism Type IIB. Identifiers: Orphanet 757, Orphanet 88939, MedGen C1840390, MONDO:0013777, OMIM 614491.

Allele frequency attached by ClinVar (database versions not stated): 1000 Genomes Project 0.00020; 1000 Genomes Project 30x 0.00031; ExAC 0.00092; TOPMed 0.00094; gnomAD 0.00096 and 0.00099; ESP Exome Variant Server 0.00108; gnomAD exomes 0.00120.
gnomAD v4.1: 1,250 of 1,614,118 alleles (0.077%); highest among the groups gnomAD compares: Middle Eastern, 0.64%; 7 homozygotes.

Submissions (3):

Labcorp Genetics (formerly Invitae), Labcorp
Classification: Benign. Last evaluated: 2025-09-29. Review status: criteria provided, single submitter. Criteria: Invitae Variant Classification Sherloc (09022015). Collection method: clinical testing. Allele origin: germline.

Illumina Laboratory Services, Illumina
Classification: Benign for Pseudohypoaldosteronism type 2B. Last evaluated: 2018-01-13. Review status: criteria provided, single submitter. Criteria: ICSL Variant Classification Criteria 13 December 2019. Collection method: clinical testing. Allele origin: germline.
Comment: This variant was observed in the ICSL laboratory as part of a predisposition screen in an ostensibly healthy population. It had not been previously curated by ICSL or reported in the Human Gene Mutation Database (HGMD: prior to June 1st, 2018), and was therefore a candidate for classification through an automated scoring system. Utilizing variant allele frequency, disease prevalence and penetrance estimates, and inheritance mode, an automated score was calculated to assess if this variant is too frequent to cause the disease. Based on the score and internal cut-off values, a variant classified as benign is not then subjected to further curation. The score for this variant resulted in a classification of benign for this disease.

Breakthrough Genomics
Classification: Benign. Review status: criteria provided, single submitter. Criteria: ACMG Guidelines, 2015. Collection method: not provided. Allele origin: germline. Inheritance: Autosomal dominant inheritance. Affected: yes.

NM_032387.5(WNK4):c.1524T>C (p.Arg508=)

Gene: WNK4 (WNK lysine deficient protein kinase 4; plus strand). Cytogenetic location: 17q21.2.
Variant type: single nucleotide variant.
Coding change: c.1524T>C on transcript NM_032387.5 (MANE Select); coding-DNA position 1524, T replaced by C.
Protein change: p.Arg508=; no amino-acid change (arginine 508 retained).
Molecular consequence: synonymous variant.
Genome position (GRCh38, 1-based): chr17:42,787,325, T>C. VCF-style: chr17-42787325-T-C. GRCh37 (hg19) VCF-style: chr17-40939343-T-C.
Other names: c.516T>C, p.Arg172= (NM_001321299.2).
Identifiers: ClinVar variation 323320 (VCV000323320.14), dbSNP rs55879206, ClinGen allele CA8584013.
Genomic context (GRCh38, chr17:42,787,325, plus strand): 5'-ACCCCAATTCCAGGTGGCTCTGGGCTTGGTCTGTGAAGCCGATTACCAGCCAGTGGCCCG[T>C]GCAGTACGTGAACGGGTTGCTGCCATCCAGCGAAAGCGTGAGAAGCTGCGTAAAGCAAGG-3'
Protein context (NP_115763.2, residues 498-518): VCEADYQPVA[Arg508=]AVRERVAAIQ